The following is an entry in ClinVar:

NM_198965.2(PTHLH):c.34G>A (p.Ala12Thr)

Gene: PTHLH (parathyroid hormone like hormone; minus strand). Cytogenetic location: 12p11.22.
Variant type: single nucleotide variant.
Coding change: c.34G>A on transcript NM_198965.2 (MANE Select); coding-DNA position 34, G replaced by A.
Protein change: p.Ala12Thr; replaces alanine 12 with threonine.
Molecular consequence: missense variant.
Genome position (GRCh38, 1-based): chr12:27,969,461, C>T on the plus strand (G>A on the coding strand, the complement: PTHLH is on the minus strand). VCF-style: chr12-27969461-C-T. GRCh37 (hg19) VCF-style: chr12-28122394-C-T.
Other names: c.34G>A, p.Ala12Thr (NM_002820.3, NM_198964.2, NM_198966.2); short protein forms A12T.
Identifiers: ClinVar variation 2997851 (VCV002997851.3), dbSNP rs2539971604, ClinGen allele CA384339798.
Genomic context (GRCh38, chr12:27,969,461, plus strand): 5'-GGCTGAGACCCTCCACCGAGCGCCCGCAGGAGGGCACCGCGTAGCTCAGCAGGAACACCG[C>T]GACGCTCCACTGCTGAACCAGTCTCCGCTGCATCGTCTCCGCTCGCGCTCGGGACCTGCA-3'
Protein context (NP_945316.1, residues 2-22): QRRLVQQWSV[Ala12Thr]VFLLSYAVPS

ClinVar aggregate classification (germline): Uncertain significance (1 of 4 stars; one submission).

Submission:

Labcorp Genetics (formerly Invitae), Labcorp
Classification: Uncertain significance. Last evaluated: 2022-11-28. Review status: criteria provided, single submitter. Criteria: Invitae Variant Classification Sherloc (09022015). Collection method: clinical testing. Allele origin: germline.
Comment: This sequence change replaces alanine, which is neutral and non-polar, with threonine, which is neutral and polar, at codon 12 of the PTHLH protein (p.Ala12Thr). This variant is not present in population databases (gnomAD no frequency). This variant has not been reported in the literature in individuals affected with PTHLH-related conditions. Algorithms developed to predict the effect of missense changes on protein structure and function are either unavailable or do not agree on the potential impact of this missense change (SIFT: "Deleterious"; PolyPhen-2: "Benign"; Align-GVGD: "Class C0"). In summary, the available evidence is currently insufficient to determine the role of this variant in disease. Therefore, it has been classified as a Variant of Uncertain Significance.